The following is an entry in ClinVar:

ClinVar aggregate classification (germline): Uncertain significance. Review status: criteria provided, multiple submitters, no conflicts (2 of 4 stars). 2 submissions from 2 submitters: Uncertain significance (2). Last evaluated 2024-01-21.

Conditions:
Hereditary cancer-predisposing syndrome. Also called: Tumor predisposition; Neoplastic Syndromes, Hereditary; Hereditary Cancer Syndrome; Hereditary neoplastic syndrome. Identifiers: Orphanet 140162, MedGen C0027672, MeSH D009386, MONDO:0015356.
Renal cell carcinoma. Identifiers: Orphanet 217071, MedGen C0007134, MeSH D002292, MONDO:0005086, HP:0005584.

Submissions (2):

Ambry Genetics
Classification: Uncertain significance for Hereditary cancer-predisposing syndrome. Last evaluated: 2024-01-21. Review status: criteria provided, single submitter. Criteria: Ambry Variant Classification Scheme 2023. Collection method: clinical testing. Allele origin: germline.
Comment: The p.E877K variant (also known as c.2629G>A), located in coding exon 10 of the MET gene, results from a G to A substitution at nucleotide position 2629. The glutamic acid at codon 877 is replaced by lysine, an amino acid with similar properties. This amino acid position is conserved. In addition, this alteration is predicted to be deleterious by in silico analysis. Based on the available evidence, the clinical significance of this alteration remains unclear.

Labcorp Genetics (formerly Invitae), Labcorp
Classification: Uncertain significance for Renal cell carcinoma. Last evaluated: 2023-02-04. Review status: criteria provided, single submitter. Criteria: Invitae Variant Classification Sherloc (09022015). Collection method: clinical testing. Allele origin: germline.
Comment: Advanced modeling of protein sequence and biophysical properties (such as structural, functional, and spatial information, amino acid conservation, physicochemical variation, residue mobility, and thermodynamic stability) performed at Invitae indicates that this missense variant is not expected to disrupt MET protein function. In summary, the available evidence is currently insufficient to determine the role of this variant in disease. Therefore, it has been classified as a Variant of Uncertain Significance. This sequence change replaces glutamic acid, which is acidic and polar, with lysine, which is basic and polar, at codon 877 of the MET protein (p.Glu877Lys). This variant is not present in population databases (gnomAD no frequency). This variant has not been reported in the literature in individuals affected with MET-related conditions.

NM_000245.4(MET):c.2575G>A (p.Glu859Lys)

Gene: MET (MET proto-oncogene, receptor tyrosine kinase; plus strand). Cytogenetic location: 7q31.2.
Variant type: single nucleotide variant.
Coding change: c.2575G>A on transcript NM_000245.4 (MANE Select); coding-DNA position 2575, G replaced by A.
Protein change: p.Glu859Lys; replaces glutamic acid 859 with lysine.
Molecular consequence: missense variant.
Genome position (GRCh38, 1-based): chr7:116,763,260, G>A. VCF-style: chr7-116763260-G-A. GRCh37 (hg19) VCF-style: chr7-116403314-G-A.
Other names: c.2629G>A, p.Glu877Lys (NM_001127500.3); c.2575G>A, p.Glu859Lys (NM_001324401.3); c.1285G>A, p.Glu429Lys (NM_001324402.2); short protein forms E429K, E859K, E877K.
Identifiers: ClinVar variation 2834684 (VCV002834684.4), dbSNP rs2485743396, ClinGen allele CA368983695.
Genomic context (GRCh38, chr7:116,763,260, plus strand): 5'-CCTGTGTTTAAGCCTTTTGAAAAGCCAGTGATGATCTCAATGGGCAATGAAAATGTACTG[G>A]AAATTAAGGTAAGAAATGCTTTAAACACTGTCTTAAATCATCAGCTCAAACTTAATTGAC-3'
Protein context (NP_000236.2, residues 849-869): MISMGNENVL[Glu859Lys]IKGNDIDPEA